The following is an entry in ClinVar:

ClinVar aggregate classification (germline): Likely benign (0 of 4 stars; one submission).

Conditions:
COG4-related disorder. Also called: COG4-related condition.

Allele frequency attached by ClinVar (database versions not stated): gnomAD exomes below 0.00001; TOPMed below 0.00001; ExAC 0.00001; gnomAD 0.00001.
gnomAD v4.1: 8 of 1,614,114 alleles (0.0005%); highest among the groups gnomAD compares: South Asian, 0.0055%; no homozygotes.

Submission:

PreventionGenetics, part of Exact Sciences
Classification: Likely benign for COG4-related condition. Last evaluated: 2020-04-20. Review status: no assertion criteria provided. Collection method: clinical testing. Allele origin: germline.
Comment: This variant is classified as likely benign based on ACMG/AMP sequence variant interpretation guidelines (Richards et al. 2015 PMID: 25741868, with internal and published modifications).

NM_015386.3(COG4):c.1617G>A (p.Glu539=)

Gene: COG4 (component of oligomeric golgi complex 4; minus strand). Cytogenetic location: 16q22.1.
Variant type: single nucleotide variant.
Coding change: c.1617G>A on transcript NM_015386.3 (MANE Select); coding-DNA position 1617, G replaced by A.
Protein change: p.Glu539=; no amino-acid change (glutamic acid 539 retained).
Molecular consequence: synonymous variant. On other transcripts: non-coding transcript variant (1).
Genome position (GRCh38, 1-based): chr16:70,496,296, C>T on the plus strand (G>A on the coding strand, the complement: COG4 is on the minus strand). VCF-style: chr16-70496296-C-T. GRCh37 (hg19) VCF-style: chr16-70530199-C-T.
Other names: c.1605G>A, p.Glu535= (NM_001195139.2); c.1191G>A, p.Glu397= (NM_001365426.1).
Identifiers: ClinVar variation 3046332 (VCV003046332.2), dbSNP rs760158081, ClinGen allele CA8144280.